The following is an entry in ClinVar:

NM_003183.6(ADAM17):c.2017G>A (p.Val673Ile)

Genes: ADAM17 (ADAM metallopeptidase domain 17; minus strand), IAH1 (isoamyl acetate hydrolyzing esterase 1 (putative); plus strand). Cytogenetic location: 2p25.1.
Variant type: single nucleotide variant.
Coding change: c.2017G>A on transcript NM_003183.6 (MANE Select); coding-DNA position 2017, G replaced by A.
Protein change: p.Val673Ile; replaces valine 673 with isoleucine.
Molecular consequence: missense variant.
Genome position (GRCh38, 1-based): chr2:9,492,963, C>T on the plus strand (G>A on the coding strand, the complement: ADAM17 is on the minus strand). VCF-style: chr2-9492963-C-T. GRCh37 (hg19) VCF-style: chr2-9633092-C-T.
Other names: p.Val673Ile; c.2017G>A, p.Val673Ile (LRG_1203t1); short protein forms V673I.
Identifiers: ClinVar variation 539952 (VCV000539952.18), dbSNP rs61754177, ClinGen allele CA1523342.
Genomic context (GRCh38, chr2:9,492,963, plus strand): 5'-AATGGACAAGAATGCTGAAAGGAATCCAAAATATCAAGGAGAAAACCAGGACAGACCCAA[C>T]GATGTTGTCTGCTAAAAACTTTCCTGTGAACAATTCCAAACAGTTAATGTCTTGACCAAG-3'
Protein context (NP_003174.3, residues 663-683): TFGKFLADNI[Val673Ile]GSVLVFSLIF

ClinVar aggregate classification (germline): Benign/Likely benign. Review status: criteria provided, multiple submitters, no conflicts (2 of 4 stars). 7 submissions from 7 submitters: Benign (3); Likely benign (3). 1 of the submissions does not count toward it. Last evaluated 2026-02-04.

Conditions:
ADAM17-related disorder. Also called: ADAM17-related condition.
Inflammatory skin and bowel disease, neonatal, 1. Identifiers: Orphanet 294023, MedGen C3280501, MONDO:0013693, OMIM 614328.

Allele frequency attached by ClinVar (database versions not stated): 1000 Genomes Project 30x 0.00406; 1000 Genomes Project 0.00439; ESP Exome Variant Server 0.00638; gnomAD 0.00658 and 0.00673; gnomAD exomes 0.00757 and 0.00870; TOPMed 0.00758; ExAC 0.00915.
gnomAD v4.1: 12,011 of 1,611,580 alleles (0.75%); highest among the groups gnomAD compares: Admixed American, 2.2%; 67 homozygotes.

Submissions (7):

Labcorp Genetics (formerly Invitae), Labcorp
Classification: Benign for Inflammatory skin and bowel disease, neonatal, 1. Last evaluated: 2026-02-04. Review status: criteria provided, single submitter. Criteria: Invitae Variant Classification Sherloc (09022015). Collection method: clinical testing. Allele origin: germline.

Women's Health and Genetics/Laboratory Corporation of America, LabCorp
Classification: Likely benign. Last evaluated: 2026-01-22. Review status: criteria provided, single submitter. Criteria: LabCorp Variant Classification Summary - May 2015. Collection method: clinical testing. Allele origin: germline.

Blueprint Genetics
Classification: Likely benign. Last evaluated: 2024-11-26. Review status: criteria provided, single submitter. Criteria: ACMG Guidelines, 2015. Collection method: clinical testing. Allele origin: germline.

Center for Genomics, Ann and Robert H. Lurie Children's Hospital of Chicago
Classification: Likely benign for Inflammatory skin and bowel disease, neonatal, 1. Last evaluated: 2022-07-12. Review status: criteria provided, single submitter. Criteria: ACMG Guidelines, 2015. Collection method: clinical testing. Allele origin: germline.
Comment: This variant has been reported in the literature in association with inflammatory bowel disease (Gettler 2021 PMID:33359885). However, this variant is present in the Genome Aggregation Database (Highest reported MAF 1.2% (196/15286) including multiple homozygotes. This variant is present in ClinVar (Variation ID:539952). Evolutionary conservation and computational predictive tools for this variant are unclear. In summary, data on this variant suggests that this variant does not cause disease but requires further evidence. Therefore, this variant is classified as likely benign.

Mayo Clinic Laboratories, Mayo Clinic
Classification: Benign. Last evaluated: 2019-12-18. Review status: criteria provided, single submitter. Criteria: ACMG Guidelines, 2015. Collection method: clinical testing. Allele origin: germline. Observed: 13 variant alleles.

Breakthrough Genomics
Classification: Benign. Review status: criteria provided, single submitter. Criteria: ACMG Guidelines, 2015. Collection method: not provided. Allele origin: germline. Inheritance: Autosomal recessive inheritance. Affected: yes.

PreventionGenetics, part of Exact Sciences
Classification: Benign for ADAM17-related condition. Last evaluated: 2019-06-27. Review status: no assertion criteria provided. Collection method: clinical testing. Allele origin: germline. Not counted in ClinVar's aggregate classification.
Comment: This variant is classified as benign based on ACMG/AMP sequence variant interpretation guidelines (Richards et al. 2015 PMID: 25741868, with internal and published modifications).